The following is an entry in ClinVar:

ClinVar aggregate classification (germline): Conflicting classifications of pathogenicity. Review status: criteria provided, conflicting classifications (1 of 4 stars). 2 submissions from 2 submitters: Uncertain significance (1); Likely benign (1). Last evaluated 2023-03-23.

Conditions:
Hereditary breast ovarian cancer syndrome. Also called: Hereditary breast and ovarian cancer syndrome (HBOC); BRCA1- and BRCA2-Associated Hereditary Breast and Ovarian Cancer; Hereditary breast and ovarian cancer syndrome; Breast and ovarian cancer; Hereditary breast and ovarian cancer; Hereditary breast and/or ovarian cancer syndrome. Identifiers: Orphanet 145, MedGen C0677776, MeSH D061325, MONDO:0003582. Disease mechanism: loss of function.
Hereditary cancer-predisposing syndrome. Also called: Hereditary neoplastic syndrome; Neoplastic Syndromes, Hereditary; Tumor predisposition; Hereditary Cancer Syndrome. Identifiers: Orphanet 140162, MedGen C0027672, MeSH D009386, MONDO:0015356.

Submissions (2):

University of Washington Department of Laboratory Medicine, University of Washington
Classification: Likely benign for Hereditary cancer-predisposing syndrome. Last evaluated: 2023-03-23. Review status: criteria provided, single submitter. Criteria: Dines et al. (Genet Med. 2020). Collection method: curation. Allele origin: germline.
Comment: Missense variant in a coldspot region where missense variants are very unlikely to be pathogenic (PMID:31911673).

BRCA2 exon 11 coldspot. Reclassification based on statistical prior probability.

Labcorp Genetics (formerly Invitae), Labcorp
Classification: Uncertain significance for Hereditary breast ovarian cancer syndrome. Last evaluated: 2021-07-09. Review status: criteria provided, single submitter. Criteria: Invitae Variant Classification Sherloc (09022015). Collection method: clinical testing. Allele origin: germline.
Comment: This variant has not been reported in the literature in individuals affected with BRCA2-related conditions. This variant is not present in population databases (ExAC no frequency). This sequence change replaces glutamic acid with lysine at codon 1158 of the BRCA2 protein (p.Glu1158Lys). The glutamic acid residue is weakly conserved and there is a small physicochemical difference between glutamic acid and lysine. ClinVar contains an entry for this variant (Variation ID: 531307). In summary, the available evidence is currently insufficient to determine the role of this variant in disease. Therefore, it has been classified as a Variant of Uncertain Significance. Advanced modeling of protein sequence and biophysical properties (such as structural, functional, and spatial information, amino acid conservation, physicochemical variation, residue mobility, and thermodynamic stability) performed at Invitae indicates that this missense variant is not expected to disrupt BRCA2 protein function.

NM_000059.4(BRCA2):c.3472G>A (p.Glu1158Lys)

Gene: BRCA2 (BRCA2 DNA repair associated; plus strand). Cytogenetic location: 13q13.1.
Variant type: single nucleotide variant.
Coding change: c.3472G>A on transcript NM_000059.4 (MANE Select); coding-DNA position 3472, G replaced by A.
Protein change: p.Glu1158Lys; replaces glutamic acid 1158 with lysine.
Molecular consequence: missense variant.
Genome position (GRCh38, 1-based): chr13:32,337,827, G>A. VCF-style: chr13-32337827-G-A. GRCh37 (hg19) VCF-style: chr13-32911964-G-A.
Other names: short protein forms E1158K.
Identifiers: ClinVar variation 531307 (VCV000531307.11), dbSNP rs1555283258, ClinGen allele CA387776802.